The following is an entry in ClinVar:

ClinVar aggregate classification (germline): Uncertain significance (1 of 4 stars; one submission).

Allele frequency attached by ClinVar (database versions not stated): gnomAD exomes 0.00001 and 0.00003; TOPMed 0.00002; gnomAD 0.00003; ExAC 0.00004.

Submission:

Labcorp Genetics (formerly Invitae), Labcorp
Classification: Uncertain significance. Last evaluated: 2025-05-11. Review status: criteria provided, single submitter. Criteria: Invitae Variant Classification Sherloc (09022015). Collection method: clinical testing. Allele origin: germline.
Comment: This sequence change replaces arginine, which is basic and polar, with tryptophan, which is neutral and slightly polar, at codon 419 of the APPL1 protein (p.Arg419Trp). This variant is present in population databases (rs777371735, gnomAD 0.01%). This variant has not been reported in the literature in individuals affected with APPL1-related conditions. ClinVar contains an entry for this variant (Variation ID: 1397587). An algorithm developed to predict the effect of missense changes on protein structure and function (PolyPhen-2) suggests that this variant is likely to be disruptive. In summary, the available evidence is currently insufficient to determine the role of this variant in disease. Therefore, it has been classified as a Variant of Uncertain Significance.

NM_012096.3(APPL1):c.1255C>T (p.Arg419Trp)

Gene: APPL1 (adaptor protein, phosphotyrosine interacting with PH domain and leucine zipper 1; plus strand). Cytogenetic location: 3p14.3.
Variant type: single nucleotide variant.
Coding change: c.1255C>T on transcript NM_012096.3 (MANE Select); coding-DNA position 1255, C replaced by T.
Protein change: p.Arg419Trp; replaces arginine 419 with tryptophan.
Molecular consequence: missense variant.
Genome position (GRCh38, 1-based): chr3:57,257,253, C>T. VCF-style: chr3-57257253-C-T. GRCh37 (hg19) VCF-style: chr3-57291281-C-T.
Other names: short protein forms R419W.
Identifiers: ClinVar variation 1397587 (VCV001397587.8), dbSNP rs777371735, ClinGen allele CA2463773.